The following is an entry in ClinVar:

ClinVar aggregate classification (germline): Uncertain significance (1 of 4 stars; one submission).

Submission:

Laboratory for Molecular Medicine, Mass General Brigham Personalized Medicine
Classification: Uncertain significance. Last evaluated: 2015-01-26. Review status: criteria provided, single submitter. Criteria: LMM Criteria. Collection method: clinical testing. Allele origin: germline. Observed: 1 variant allele.
Comment: The p.Ala1867Val variant in MYO7A has not been previously reported in individual s with hearing loss or in large population studies. Computational prediction too ls and conservation analysis do not provide strong support for or against an imp act to the protein. In summary, the clinical significance of the p.Ala1867Val va riant is uncertain.

NM_000260.4(MYO7A):c.5600C>T (p.Ala1867Val)

Gene: MYO7A (myosin VIIA; plus strand). Cytogenetic location: 11q13.5.
Variant type: single nucleotide variant.
Coding change: c.5600C>T on transcript NM_000260.4 (MANE Select); coding-DNA position 5600, C replaced by T.
Protein change: p.Ala1867Val; replaces alanine 1867 with valine.
Molecular consequence: missense variant.
Genome position (GRCh38, 1-based): chr11:77,205,581, C>T. VCF-style: chr11-77205581-C-T. GRCh37 (hg19) VCF-style: chr11-76916626-C-T.
Other names: c.5486C>T, p.Ala1829Val (NM_001127180.2); c.5453C>T, p.Ala1818Val (NM_001369365.1); short protein forms A1867V, A1818V, A1829V.
Identifiers: ClinVar variation 229009 (VCV000229009.4), dbSNP rs876657914, ClinGen allele CA10576903.